The following is an entry in ClinVar:

ClinVar aggregate classification (germline): Uncertain significance (1 of 4 stars; one submission).

Conditions:
Adams-Oliver syndrome 5 (AOS5). Identifiers: Orphanet 974, MedGen C4014970, MONDO:0014459, OMIM 616028.

Allele frequency attached by ClinVar (database versions not stated): gnomAD exomes below 0.00001.
gnomAD v4.1: 4 of 1,612,842 alleles (0.00025%); highest among the groups gnomAD compares: Admixed American, 0.0033%; no homozygotes.

Submission:

Labcorp Genetics (formerly Invitae), Labcorp
Classification: Uncertain significance for Adams-Oliver syndrome 5. Last evaluated: 2025-07-13. Review status: criteria provided, single submitter. Criteria: Invitae Variant Classification Sherloc (09022015). Collection method: clinical testing. Allele origin: germline.
Comment: This sequence change replaces alanine, which is neutral and non-polar, with threonine, which is neutral and polar, at codon 1471 of the NOTCH1 protein (p.Ala1471Thr). This variant is present in population databases (no rsID available, gnomAD 0.0009%). This variant has not been reported in the literature in individuals affected with NOTCH1-related conditions. ClinVar contains an entry for this variant (Variation ID: 1388414). Invitae Evidence Modeling of protein sequence and biophysical properties (such as structural, functional, and spatial information, amino acid conservation, physicochemical variation, residue mobility, and thermodynamic stability) indicates that this missense variant is not expected to disrupt NOTCH1 protein function with a negative predictive value of 80%. In summary, the available evidence is currently insufficient to determine the role of this variant in disease. Therefore, it has been classified as a Variant of Uncertain Significance.

NM_017617.5(NOTCH1):c.4411G>A (p.Ala1471Thr)

Gene: NOTCH1 (notch receptor 1; minus strand). Cytogenetic location: 9q34.3.
Variant type: single nucleotide variant.
Coding change: c.4411G>A on transcript NM_017617.5 (MANE Select); coding-DNA position 4411, G replaced by A.
Protein change: p.Ala1471Thr; replaces alanine 1471 with threonine.
Molecular consequence: missense variant.
Genome position (GRCh38, 1-based): chr9:136,505,485, C>T on the plus strand (G>A on the coding strand, the complement: NOTCH1 is on the minus strand). VCF-style: chr9-136505485-C-T. GRCh37 (hg19) VCF-style: chr9-139399937-C-T.
Other names: short protein forms A1471T.
Identifiers: ClinVar variation 1388414 (VCV001388414.8), dbSNP rs1414066424, ClinGen allele CA375647761.